The following is an entry in ClinVar:

NM_006231.4(POLE):c.3073C>G (p.Pro1025Ala)

Gene: POLE (DNA polymerase epsilon, catalytic subunit; minus strand). Cytogenetic location: 12q24.33.
Variant type: single nucleotide variant.
Coding change: c.3073C>G on transcript NM_006231.4 (MANE Select); coding-DNA position 3073, C replaced by G.
Protein change: p.Pro1025Ala; replaces proline 1025 with alanine.
Molecular consequence: missense variant.
Genome position (GRCh38, 1-based): chr12:132,659,497, G>C on the plus strand (C>G on the coding strand, the complement: POLE is on the minus strand). VCF-style: chr12-132659497-G-C. GRCh37 (hg19) VCF-style: chr12-133236083-G-C.
Other names: short protein forms P1025A.
Identifiers: ClinVar variation 1727282 (VCV001727282.2), dbSNP rs2138679038, ClinGen allele CA387391864.

ClinVar aggregate classification (germline): Uncertain significance (1 of 4 stars; one submission).

Conditions:
Hereditary cancer-predisposing syndrome. Also called: Tumor predisposition; Neoplastic Syndromes, Hereditary; Hereditary Cancer Syndrome; Hereditary neoplastic syndrome. Identifiers: Orphanet 140162, MedGen C0027672, MeSH D009386, MONDO:0015356.

Allele frequency attached by ClinVar (database versions not stated): gnomAD exomes below 0.00001.
gnomAD v4.1: 1 of 1,613,960 alleles (0.000062%); highest among the groups gnomAD compares: Non-Finnish European, 0.000085%; no homozygotes.

Submission:

Ambry Genetics
Classification: Uncertain significance for Hereditary cancer-predisposing syndrome. Last evaluated: 2022-08-13. Review status: criteria provided, single submitter. Criteria: Ambry Variant Classification Scheme 2023. Collection method: clinical testing. Allele origin: germline.
Comment: The p.P1025A variant (also known as c.3073C>G), located in coding exon 26 of the POLE gene, results from a C to G substitution at nucleotide position 3073. The proline at codon 1025 is replaced by alanine, an amino acid with highly similar properties. This amino acid position is conserved. In addition, the in silico prediction for this alteration is inconclusive. Since supporting evidence is limited at this time, the clinical significance of this alteration remains unclear.